The following is an entry in ClinVar:

NC_000017.10:g.(?_17131193)_(17140502_?)del

Gene: FLCN (folliculin; minus strand). Cytogenetic location: 17p11.2.
Variant type: Deletion.
Identifiers: ClinVar variation 1069356 (VCV001069356.3).

ClinVar aggregate classification (germline): Pathogenic (1 of 4 stars; one submission).

Conditions:
Birt-Hogg-Dube syndrome. Also called: Birt Hogg Dubé syndrome. Identifiers: Orphanet 122, MedGen C0346010, MONDO:0800444.

Submission:

Labcorp Genetics (formerly Invitae), Labcorp
Classification: Pathogenic for Birt-Hogg-Dube syndrome. Last evaluated: 2020-06-17. Review status: criteria provided, single submitter. Criteria: Invitae Variant Classification Sherloc (09022015). Collection method: clinical testing. Allele origin: germline.
Comment: This variant is a gross deletion of the genomic region encompassing exons 1-4 of the FLCN gene, which includes the initiator codon. The 5' end of this event is unknown as it extends beyond the assayed region for this gene and therefore may encompass additional genes. The 3' boundary is likely confined to intron 4 of the FLCN gene. This is expected to result in an absent or disrupted protein product. This variant has not been reported in the literature in individuals with FLCN-related conditions. Loss-of-function variants in FLCN are known to be pathogenic (PMID: 15852235). For these reasons, this variant has been classified as Pathogenic.

Literature cited by the submitters: PubMed 15852235.